The following is an entry in ClinVar:

NM_003982.4(SLC7A7):c.626-2A>G

Gene: SLC7A7 (solute carrier family 7 member 7; minus strand). Cytogenetic location: 14q11.2.
Variant type: single nucleotide variant.
Coding change: c.626-2A>G on transcript NM_003982.4 (MANE Select); the canonical splice acceptor site of the intron before coding-DNA position 626, A replaced by G.
Molecular consequence: splice acceptor variant.
Genome position (GRCh38, 1-based): chr14:22,778,939, T>C on the plus strand (A>G on the coding strand, the complement: SLC7A7 is on the minus strand). VCF-style: chr14-22778939-T-C. GRCh37 (hg19) VCF-style: chr14-23248148-T-C.
Other names: c.626-2A>G (NM_001126106.4, NM_001126105.3).
Identifiers: ClinVar variation 2735942 (VCV002735942.3), dbSNP rs2501860374, ClinGen allele CA388924181.

ClinVar aggregate classification (germline): Likely pathogenic (1 of 4 stars; one submission).

Conditions:
Lysinuric protein intolerance (LPI). Identifiers: Orphanet 470, MedGen C0268647, MONDO:0009109, OMIM 222700.

Submission:

Labcorp Genetics (formerly Invitae), Labcorp
Classification: Likely pathogenic for Lysinuric protein intolerance. Last evaluated: 2025-12-15. Review status: criteria provided, single submitter. Criteria: Invitae Variant Classification Sherloc (09022015). Collection method: clinical testing. Allele origin: germline.
Comment: This sequence change affects an acceptor splice site in intron 4 of the SLC7A7 gene. It is expected to disrupt RNA splicing. Variants that disrupt the donor or acceptor splice site typically lead to a loss of protein function (PMID: 16199547), and loss-of-function variants in SLC7A7 are known to be pathogenic (PMID: 10631139, 17764084). This variant is not present in population databases (gnomAD no frequency). This variant has not been reported in the literature in individuals affected with SLC7A7-related conditions. ClinVar contains an entry for this variant (Variation ID: 2735942). Algorithms developed to predict the effect of sequence changes on RNA splicing suggest that this variant may disrupt the consensus splice site. In summary, the currently available evidence indicates that the variant is pathogenic, but additional data are needed to prove that conclusively. Therefore, this variant has been classified as Likely Pathogenic.

Literature cited by the submitters: PubMed 16199547; PubMed 10631139; PubMed 17764084.